The following is an entry in ClinVar:

NM_001271.4(CHD2):c.4533C>T (p.Asp1511=)

Gene: CHD2 (chromodomain helicase DNA binding protein 2; plus strand). Cytogenetic location: 15q26.1.
Variant type: single nucleotide variant.
Coding change: c.4533C>T on transcript NM_001271.4 (MANE Select); coding-DNA position 4533, C replaced by T.
Protein change: p.Asp1511=; no amino-acid change (aspartic acid 1511 retained).
Molecular consequence: synonymous variant.
Genome position (GRCh38, 1-based): chr15:93,009,264, C>T. VCF-style: chr15-93009264-C-T. GRCh37 (hg19) VCF-style: chr15-93552494-C-T.
Identifiers: ClinVar variation 508292 (VCV000508292.15), dbSNP rs141821906, ClinGen allele CA7748493.

ClinVar aggregate classification (germline): Benign/Likely benign. Review status: criteria provided, multiple submitters, no conflicts (2 of 4 stars). 4 submissions from 4 submitters: Benign (1); Likely benign (3). Last evaluated 2025-12-19.

Conditions:
Inborn genetic diseases. Identifiers: MedGen C0950123, MeSH D030342.
Developmental and epileptic encephalopathy 94 (DEE94). Also called: CHD2-Related Neurodevelopmental Disorders; Epileptic encephalopathy, childhood-onset. Identifiers: Orphanet 1942, Orphanet 2382, MedGen C3809278, MONDO:0014150, OMIM 615369.
CHD2-related disorder. Also called: CHD2-related condition.

Allele frequency attached by ClinVar (database versions not stated): gnomAD exomes 0.00010 and 0.00017; gnomAD 0.00011; TOPMed 0.00013; ExAC 0.00014; ESP Exome Variant Server 0.00023.
gnomAD v4.1: 182 of 1,614,082 alleles (0.011%); highest among the groups gnomAD compares: Middle Eastern, 0.049%; no homozygotes.

Submissions (4):

Labcorp Genetics (formerly Invitae), Labcorp
Classification: Benign for Developmental and epileptic encephalopathy 94. Last evaluated: 2025-12-19. Review status: criteria provided, single submitter. Criteria: Invitae Variant Classification Sherloc (09022015). Collection method: clinical testing. Allele origin: germline.

PreventionGenetics, part of Exact Sciences
Classification: Likely benign for CHD2-related condition. Last evaluated: 2025-04-29. Review status: criteria provided, single submitter. Criteria: ACMG Guidelines, 2015. Collection method: clinical testing. Allele origin: germline.
Comment: This variant is classified as likely benign based on ACMG/AMP sequence variant interpretation guidelines (Richards et al. 2015 PMID: 25741868, with internal and published modifications).

GeneDx
Classification: Likely benign. Last evaluated: 2021-05-01. Review status: criteria provided, single submitter. Criteria: GeneDx Variant Classification Process June 2021. Collection method: clinical testing. Allele origin: germline. Affected: yes.

Ambry Genetics
Classification: Likely benign for Inborn genetic diseases. Last evaluated: 2017-09-21. Review status: criteria provided, single submitter. Criteria: Ambry Variant Classification Scheme 2023. Collection method: clinical testing. Allele origin: germline.